The following is an entry in ClinVar:

ClinVar aggregate classification (germline): Likely benign (1 of 4 stars; one submission).

Allele frequency attached by ClinVar (database versions not stated): 1000 Genomes Project 30x 0.00406; 1000 Genomes Project 0.00419; TOPMed 0.00553; gnomAD 0.00568; ExAC 0.00604; ESP Exome Variant Server 0.00677.
gnomAD v4.1: 13,031 of 1,614,084 alleles (0.81%); highest among the groups gnomAD compares: Non-Finnish European, 1%; 87 homozygotes.

Submission:

CeGaT Center for Human Genetics Tuebingen
Classification: Likely benign. Last evaluated: 2023-03-01. Review status: criteria provided, single submitter. Criteria: CeGaT Center For Human Genetics Tuebingen Variant Classification Criteria Version 2. Collection method: clinical testing. Allele origin: germline. Affected: yes. Observed: 1 variant allele.
Comment: BTN3A3: BP4, BS2

NM_006994.5(BTN3A3):c.1327C>T (p.Arg443Trp)

Gene: BTN3A3 (butyrophilin subfamily 3 member A3; plus strand). Cytogenetic location: 6p22.2.
Variant type: single nucleotide variant.
Coding change: c.1327C>T on transcript NM_006994.5 (MANE Select); coding-DNA position 1327, C replaced by T.
Protein change: p.Arg443Trp; replaces arginine 443 with tryptophan.
Molecular consequence: missense variant.
Genome position (GRCh38, 1-based): chr6:26,451,983, C>T. VCF-style: chr6-26451983-C-T. GRCh37 (hg19) VCF-style: chr6-26452211-C-T.
Other names: c.697C>T, p.Arg233Trp (NM_001242803.2); c.1180C>T, p.Arg394Trp (NM_197974.3); short protein forms R233W, R394W, R443W.
Identifiers: ClinVar variation 2656312 (VCV002656312.24), dbSNP rs148819206, ClinGen allele CA3674131.
Genomic context (GRCh38, chr6:26,451,983, plus strand): 5'-GTCAAAATGACACCGGAGAACGGATACTGGACTATGGGCCTGACTGATGGGAATAAGTAT[C>T]GGGCTCTCACTGAGCCCAGAACCAACCTGAAACTTCCTGAGCCTCCTAGGAAAGTGGGGA-3'
Protein context (NP_008925.1, residues 433-453): TMGLTDGNKY[Arg443Trp]ALTEPRTNLK